The following is an entry in ClinVar:

ClinVar aggregate classification (germline): Conflicting classifications of pathogenicity. Review status: criteria provided, conflicting classifications (1 of 4 stars). 4 submissions from 4 submitters: Uncertain significance (2); Likely benign (2). Last evaluated 2025-12-23.

Conditions:
Hypercalcemia, infantile, 1 (HCINF1). Identifiers: Orphanet 300547, MedGen CN031131, MONDO:0020739, OMIM 143880.
CYP24A1-related disorder. Also called: CYP24A1-related condition.

Allele frequency attached by ClinVar (database versions not stated): TOPMed 0.00031; gnomAD exomes 0.00042 and 0.00050; ExAC 0.00046; ESP Exome Variant Server 0.00062; gnomAD 0.00064.
gnomAD v4.1: 678 of 1,613,202 alleles (0.042%); highest among the groups gnomAD compares: Non-Finnish European, 0.037%; 1 homozygote.

Submissions (4):

Labcorp Genetics (formerly Invitae), Labcorp
Classification: Likely benign. Last evaluated: 2025-12-23. Review status: criteria provided, single submitter. Criteria: Invitae Variant Classification Sherloc (09022015). Collection method: clinical testing. Allele origin: germline.

PreventionGenetics, part of Exact Sciences
Classification: Likely benign for CYP24A1-related condition. Last evaluated: 2025-01-15. Review status: criteria provided, single submitter. Criteria: ACMG Guidelines, 2015. Collection method: clinical testing. Allele origin: germline.
Comment: This variant is classified as likely benign based on ACMG/AMP sequence variant interpretation guidelines (Richards et al. 2015 PMID: 25741868, with internal and published modifications).

Baylor Genetics
Classification: Uncertain significance for Hypercalcemia, infantile, 1. Last evaluated: 2020-07-17. Review status: criteria provided, single submitter. Criteria: ACMG Guidelines, 2015. Collection method: clinical testing. Allele origin: unknown. Affected: yes.
Comment: This variant was determined to be of uncertain significance according to ACMG Guidelines, 2015 [PMID:25741868].

Illumina Laboratory Services, Illumina
Classification: Uncertain significance for Hypercalcemia, infantile, 1. Last evaluated: 2017-04-27. Review status: criteria provided, single submitter. Criteria: ICSL Variant Classification Criteria 13 December 2019. Collection method: clinical testing. Allele origin: germline.

NM_000782.5(CYP24A1):c.385C>A (p.Leu129Met)

Gene: CYP24A1 (cytochrome P450 family 24 subfamily A member 1; minus strand). Cytogenetic location: 20q13.2.
Variant type: single nucleotide variant.
Coding change: c.385C>A on transcript NM_000782.5 (MANE Select); coding-DNA position 385, C replaced by A.
Protein change: p.Leu129Met; replaces leucine 129 with methionine.
Molecular consequence: missense variant.
Genome position (GRCh38, 1-based): chr20:54,172,973, G>T on the plus strand (C>A on the coding strand, the complement: CYP24A1 is on the minus strand). VCF-style: chr20-54172973-G-T. GRCh37 (hg19) VCF-style: chr20-52789512-G-T.
Other names: c.385C>A, p.Leu129Met (NM_001128915.2); short protein forms L129M.
Identifiers: ClinVar variation 728557 (VCV000728557.15), dbSNP rs149806586, ClinGen allele CA9916185.